The following is an entry in ClinVar:

ClinVar aggregate classification (germline): Conflicting classifications of pathogenicity. Review status: criteria provided, conflicting classifications (1 of 4 stars). 5 submissions from 5 submitters: Uncertain significance (2); Likely benign (3). Last evaluated 2026-06-01.

Conditions:
Emery-Dreifuss muscular dystrophy 4, autosomal dominant (EDMD4). Also called: EMERY-DREIFUSS MUSCULAR DYSTROPHY 4 WITH VARIABLE FEATURES. Identifiers: Orphanet 261, MedGen C2751807, MONDO:0013071, OMIM 612998.
Autosomal recessive ataxia, Beauce type. Also called: SYNE1 Deficiency; SYNE1-Related Autosomal Recessive Cerebellar Ataxia; ATAXIA, RECESSIVE, OF BEAUCE; Spinocerebellar ataxia, autosomal recessive 8. Identifiers: Orphanet 88644, MedGen C1853116, MONDO:0012549, OMIM 610743.

Allele frequency attached by ClinVar (database versions not stated): gnomAD exomes 0.00009 and 0.00019; ExAC 0.00025; ESP Exome Variant Server 0.00038; gnomAD 0.00056 and 0.00059; TOPMed 0.00074; 1000 Genomes Project 0.00100; 1000 Genomes Project 30x 0.00109.

Submissions (5):

CeGaT Center for Human Genetics Tuebingen
Classification: Likely benign. Last evaluated: 2026-06-01. Review status: criteria provided, single submitter. Criteria: CeGaT Center For Human Genetics Tuebingen Variant Classification Criteria Version 2. Collection method: clinical testing. Allele origin: germline. Affected: yes. Observed: 1 variant allele.
Comment: SYNE1: BP4, BP7

Labcorp Genetics (formerly Invitae), Labcorp
Classification: Likely benign for Emery-Dreifuss muscular dystrophy 4, autosomal dominant; Autosomal recessive ataxia, Beauce type. Last evaluated: 2026-01-19. Review status: criteria provided, single submitter. Criteria: Invitae Variant Classification Sherloc (09022015). Collection method: clinical testing. Allele origin: germline.

Revvity Omics, Revvity
Classification: Uncertain significance. Last evaluated: 2022-08-01. Review status: criteria provided, single submitter. Criteria: ACMG Guidelines, 2015. Collection method: clinical testing. Allele origin: germline.

Athena Diagnostics
Classification: Likely benign. Last evaluated: 2019-04-25. Review status: criteria provided, single submitter. Criteria: Athena Diagnostics Criteria. Collection method: clinical testing. Allele origin: germline.

Eurofins Ntd Llc (ga)
Classification: Uncertain significance. Last evaluated: 2017-07-27. Review status: criteria provided, single submitter. Criteria: EGL Classification Definitions 2015. Collection method: clinical testing. Allele origin: germline. Observed: 3 variant alleles, 3 heterozygotes.

NM_182961.4(SYNE1):c.18789G>A (p.Ser6263=)

Gene: SYNE1 (spectrin repeat containing nuclear envelope protein 1; minus strand). Cytogenetic location: 6q25.2.
Variant type: single nucleotide variant.
Coding change: c.18789G>A on transcript NM_182961.4 (MANE Select); coding-DNA position 18789, G replaced by A.
Protein change: p.Ser6263=; no amino-acid change (serine 6263 retained).
Molecular consequence: synonymous variant.
Genome position (GRCh38, 1-based): chr6:152,268,082, C>T on the plus strand (G>A on the coding strand, the complement: SYNE1 is on the minus strand). VCF-style: chr6-152268082-C-T. GRCh37 (hg19) VCF-style: chr6-152589217-C-T.
Other names: c.18576G>A, p.Ser6192= (NM_033071.5).
Identifiers: ClinVar variation 290551 (VCV000290551.22), dbSNP rs150905950, ClinGen allele CA4054854.
Genomic context (GRCh38, chr6:152,268,082, plus strand): 5'-AATGAAGAGAAAATGGAAGCATTTTGAAACATACCCAGCATCACCAGAGGTCTCTGCCGC[C>T]GAATGTTGAATTAGAATCTCCTCTCCACGACTGGCTACTGAGCGAAGGAGACTCTTCTGC-3'
Protein context (NP_892006.3, residues 6253-6273): SRGEEILIQH[Ser6263=]AAETSGDAGE